The following is an entry in ClinVar:

NM_032802.4(SPPL2A):c.1268G>C (p.Cys423Ser)

Gene: SPPL2A (signal peptide peptidase like 2A; minus strand). Cytogenetic location: 15q21.2.
Variant type: single nucleotide variant.
Coding change: c.1268G>C on transcript NM_032802.4 (MANE Select); coding-DNA position 1268, G replaced by C.
Protein change: p.Cys423Ser; replaces cysteine 423 with serine.
Molecular consequence: missense variant.
Genome position (GRCh38, 1-based): chr15:50,722,183, C>G on the plus strand (G>C on the coding strand, the complement: SPPL2A is on the minus strand). VCF-style: chr15-50722183-C-G. GRCh37 (hg19) VCF-style: chr15-51014380-C-G.
Other names: short protein forms C423S.
Identifiers: ClinVar variation 3682844 (VCV003682844.2).

ClinVar aggregate classification (germline): Uncertain significance (1 of 4 stars; one submission).

gnomAD v4.1: 24 of 1,593,122 alleles (0.0015%); highest among the groups gnomAD compares: South Asian, 0.014%; no homozygotes.

Submission:

Labcorp Genetics (formerly Invitae), Labcorp
Classification: Uncertain significance. Last evaluated: 2024-12-03. Review status: criteria provided, single submitter. Criteria: Invitae Variant Classification Sherloc (09022015). Collection method: clinical testing. Allele origin: germline.
Comment: This sequence change replaces cysteine, which is neutral and slightly polar, with serine, which is neutral and polar, at codon 423 of the SPPL2A protein (p.Cys423Ser). This variant is present in population databases (rs557147371, gnomAD 0.02%). This variant has not been reported in the literature in individuals affected with SPPL2A-related conditions. An algorithm developed to predict the effect of missense changes on protein structure and function (PolyPhen-2) suggests that this variant is likely to be tolerated. In summary, the available evidence is currently insufficient to determine the role of this variant in disease. Therefore, it has been classified as a Variant of Uncertain Significance.